The following is an entry in ClinVar:

ClinVar aggregate classification (germline): Uncertain significance (1 of 4 stars; one submission).

Conditions:
Dyskeratosis congenita. Identifiers: Orphanet 1775, MedGen C0265965, MONDO:0015780.

Submission:

Labcorp Genetics (formerly Invitae), Labcorp
Classification: Uncertain significance for Dyskeratosis congenita. Last evaluated: 2025-04-02. Review status: criteria provided, single submitter. Criteria: Invitae Variant Classification Sherloc (09022015). Collection method: clinical testing. Allele origin: germline.
Comment: This sequence change replaces cysteine, which is neutral and slightly polar, with tyrosine, which is neutral and polar, at codon 156 of the TINF2 protein (p.Cys156Tyr). This variant is not present in population databases (gnomAD no frequency). This variant has not been reported in the literature in individuals affected with TINF2-related conditions. An algorithm developed to predict the effect of missense changes on protein structure and function (PolyPhen-2) suggests that this variant is likely to be disruptive. In summary, the available evidence is currently insufficient to determine the role of this variant in disease. Therefore, it has been classified as a Variant of Uncertain Significance.

NM_001099274.3(TINF2):c.467G>A (p.Cys156Tyr)

Gene: TINF2 (TERF1 interacting nuclear factor 2; minus strand). Cytogenetic location: 14q12.
Variant type: single nucleotide variant.
Coding change: c.467G>A on transcript NM_001099274.3 (MANE Select); coding-DNA position 467, G replaced by A.
Protein change: p.Cys156Tyr; replaces cysteine 156 with tyrosine.
Molecular consequence: missense variant.
Genome position (GRCh38, 1-based): chr14:24,241,244, C>T on the plus strand (G>A on the coding strand, the complement: TINF2 is on the minus strand). VCF-style: chr14-24241244-C-T. GRCh37 (hg19) VCF-style: chr14-24710450-C-T.
Other names: c.362G>A, p.Cys121Tyr (NM_001363668.2); c.467G>A, p.Cys156Tyr (NM_012461.3); short protein forms C121Y, C156Y.
Identifiers: ClinVar variation 4704550 (VCV004704550.1).